The following is an entry in ClinVar:

ClinVar aggregate classification (germline): Uncertain significance. Review status: criteria provided, multiple submitters, no conflicts (2 of 4 stars). 2 submissions from 2 submitters: Uncertain significance (2). Last evaluated 2026-09-09.

Allele frequency attached by ClinVar (database versions not stated): ExAC 0.00003; gnomAD exomes 0.00003; TOPMed 0.00011; gnomAD 0.00023.

Submissions (2):

GeneDx
Classification: Uncertain significance. Last evaluated: 2026-09-09. Review status: criteria provided, single submitter. Criteria: GeneDx Variant Classification Process June 2021. Collection method: clinical testing. Allele origin: germline.
Comment: In silico analysis suggests that this missense variant does not alter protein structure/function; Has not been previously published as pathogenic or benign to our knowledge

Labcorp Genetics (formerly Invitae), Labcorp
Classification: Uncertain significance. Last evaluated: 2022-06-14. Review status: criteria provided, single submitter. Criteria: Invitae Variant Classification Sherloc (09022015). Collection method: clinical testing. Allele origin: germline.
Comment: This sequence change replaces arginine, which is basic and polar, with cysteine, which is neutral and slightly polar, at codon 313 of the SYNE4 protein (p.Arg313Cys). This variant is present in population databases (rs746561658, gnomAD 0.03%). This variant has not been reported in the literature in individuals affected with SYNE4-related conditions. Algorithms developed to predict the effect of missense changes on protein structure and function are either unavailable or do not agree on the potential impact of this missense change (SIFT: "Deleterious"; PolyPhen-2: "Benign"; Align-GVGD: "Class C0"). In summary, the available evidence is currently insufficient to determine the role of this variant in disease. Therefore, it has been classified as a Variant of Uncertain Significance.

NM_001039876.3(SYNE4):c.937C>T (p.Arg313Cys)

Gene: SYNE4 (spectrin repeat containing nuclear envelope family member 4; minus strand). Cytogenetic location: 19q13.12.
Variant type: single nucleotide variant.
Coding change: c.937C>T on transcript NM_001039876.3 (MANE Select); coding-DNA position 937, C replaced by T.
Protein change: p.Arg313Cys; replaces arginine 313 with cysteine.
Molecular consequence: missense variant.
Genome position (GRCh38, 1-based): chr19:36,005,368, G>A on the plus strand (C>T on the coding strand, the complement: SYNE4 is on the minus strand). VCF-style: chr19-36005368-G-A. GRCh37 (hg19) VCF-style: chr19-36496270-G-A.
Other names: c.598C>T, p.Arg200Cys (NM_001297735.3); c.937C>T (NM_001039876.2); short protein forms R200C, R313C.
Identifiers: ClinVar variation 2202419 (VCV002202419.3), dbSNP rs746561658, ClinGen allele CA9393802.